The following is an entry in ClinVar:

NM_004551.3(NDUFS3):c.595C>T (p.Arg199Trp)

Gene: NDUFS3 (NADH:ubiquinone oxidoreductase core subunit S3; plus strand). Cytogenetic location: 11p11.2.
Variant type: single nucleotide variant.
Coding change: c.595C>T on transcript NM_004551.3 (MANE Select); coding-DNA position 595, C replaced by T.
Protein change: p.Arg199Trp; replaces arginine 199 with tryptophan.
Molecular consequence: missense variant.
Genome position (GRCh38, 1-based): chr11:47,582,436, C>T. VCF-style: chr11-47582436-C-T. GRCh37 (hg19) VCF-style: chr11-47603988-C-T.
Other names: short protein forms R199W.
Identifiers: ClinVar variation 6020 (VCV000006020.5), dbSNP rs104894270, ClinGen allele CA117917.
Genomic context (GRCh38, chr11:47,582,436, plus strand): 5'-GCTAACCACCCTGATCTAAGAAGGATCCTGACAGATTATGGCTTCGAGGGACATCCTTTC[C>T]GGAAAGACTTTCCTCTATCTGGCTATGTTGAGGTAGGAGCCTTGGAACTGGGACAGCAGC-3'
Protein context (NP_004542.1, residues 189-209): TDYGFEGHPF[Arg199Trp]KDFPLSGYVE

ClinVar aggregate classification (germline): Pathogenic/Likely pathogenic. Review status: criteria provided, multiple submitters, no conflicts (2 of 4 stars). 3 submissions from 3 submitters: Pathogenic (1); Likely pathogenic (1). 1 of the submissions does not count toward it. Last evaluated 2023-08-21.

Conditions:
Mitochondrial complex I deficiency, nuclear type 8. Also called: Mitochondrial complex 1 deficiency, nuclear type 8. Identifiers: MedGen C4748766, MONDO:0032613, OMIM 618230.

Allele frequency attached by ClinVar (database versions not stated): gnomAD exomes 0.00001 and 0.00002; ExAC 0.00002; TOPMed 0.00002; gnomAD 0.00003.

Submissions (3):

Labcorp Genetics (formerly Invitae), Labcorp
Classification: Pathogenic. Last evaluated: 2023-08-21. Review status: criteria provided, single submitter. Criteria: Invitae Variant Classification Sherloc (09022015). Collection method: clinical testing. Allele origin: germline.
Comment: For these reasons, this variant has been classified as Pathogenic. This sequence change replaces arginine, which is basic and polar, with tryptophan, which is neutral and slightly polar, at codon 199 of the NDUFS3 protein (p.Arg199Trp). Advanced modeling of protein sequence and biophysical properties (such as structural, functional, and spatial information, amino acid conservation, physicochemical variation, residue mobility, and thermodynamic stability) performed at Invitae indicates that this missense variant is expected to disrupt NDUFS3 protein function. ClinVar contains an entry for this variant (Variation ID: 6020). This missense change has been observed in individuals with mitochondrial complex I deficiency (PMID: 14729820, 22499348, 30140060). It has also been observed to segregate with disease in related individuals. This variant is present in population databases (rs104894270, gnomAD 0.006%).

SIB Swiss Institute of Bioinformatics
Classification: Likely pathogenic for Mitochondrial complex I deficiency, nuclear type 8. Last evaluated: 2019-01-23. Review status: criteria provided, single submitter. Criteria: ACMG Guidelines, 2015. Collection method: curation. Allele origin: unknown.
Comment: This variant is interpreted as a Likely pathogenic for Mitochondrial complex I deficiency, nuclear type 8, autosomal recessive. The following ACMG Tag(s) were applied: PM2 : Absent from controls (or at extremely low frequency if recessive) in Exome Sequencing Project, 1000 Genomes Project, or Exome Aggregation Consortium. PP3 : Multiple lines of computational evidence support a deleterious effect on the gene or gene product. PP1 : Cosegregation with disease in multiple affected family members in a gene definitively known to cause the disease (PMID:14729820). PS3 : Well-established functional studies show a deleterious effect (PMID:22499348).

OMIM
Classification: Pathogenic for MITOCHONDRIAL COMPLEX I DEFICIENCY, NUCLEAR TYPE 8. Last evaluated: 2012-04-01. Review status: no assertion criteria provided. Collection method: literature only. Allele origin: germline. Not counted in ClinVar's aggregate classification.

Literature cited by the submitters: PubMed 14729820 (cited by 3 submitters); PubMed 22499348 (cited by 3 submitters); PubMed 30140060 (cited by Labcorp Genetics (formerly Invitae), Labcorp and SIB Swiss Institute of Bioinformatics).